The following is an entry in ClinVar:

ClinVar aggregate classification (germline): Uncertain significance (1 of 4 stars; one submission).

Conditions:
Gorlin syndrome. Also called: Nevoid Basal Cell Carcinoma Syndrome; Basal cell nevus syndrome. Identifiers: Orphanet 377, MedGen C0004779, MONDO:0007187.
Medulloblastoma (MDB). Also called: MEDULLOBLASTOMA PREDISPOSITION SYNDROME; Medulloblastoma, somatic. Identifiers: Orphanet 616, MedGen C0025149, MeSH D008527, MONDO:0007959, OMIM 155255, HP:0002885.

Submission:

Labcorp Genetics (formerly Invitae), Labcorp
Classification: Uncertain significance for Gorlin syndrome; Medulloblastoma. Last evaluated: 2021-05-25. Review status: criteria provided, single submitter. Criteria: Invitae Variant Classification Sherloc (09022015). Collection method: clinical testing. Allele origin: germline.
Comment: This variant is not present in population databases (ExAC no frequency). This variant has not been reported in the literature in individuals with SUFU-related conditions. In summary, the available evidence is currently insufficient to determine the role of this variant in disease. Therefore, it has been classified as a Variant of Uncertain Significance. This variant, c.852_860dup, results in the insertion of 3 amino acid(s) to the SUFU protein (p.Asp285_Asp287dup), but otherwise preserves the integrity of the reading frame.

NM_016169.4(SUFU):c.852_860dup (p.Asp285_Asp287dup)

Gene: SUFU (SUFU negative regulator of hedgehog signaling; plus strand). Cytogenetic location: 10q24.32.
Variant type: Duplication.
Coding change: c.852_860dup on transcript NM_016169.4 (MANE Select); coding-DNA positions 852 to 860, 9 bases duplicated (TGACGAGGA; older notation c.852_860dupTGACGAGGA).
Protein change: p.Asp285_Asp287dup.
Molecular consequence: inframe insertion.
Genome position (GRCh38, 1-based): chr10:102,597,235-102,597,243, TGACGAGGA duplicated; duplicating any 9 consecutive bases within chr10:102,597,229-102,597,243 gives the same sequence; the c. name uses the placement nearest the transcript's 3' end. VCF-style (leftmost placement, unchanged base first): chr10-102597228-C-CCGAGGATGA. GRCh37 (hg19) VCF-style: chr10-104356985-C-CCGAGGATGA.
Other names: c.852_860dup, p.Asp285_Asp287dup (NM_001178133.2).
Identifiers: ClinVar variation 1417757 (VCV001417757.11), dbSNP rs2135881773, ClinGen allele CA2573145407.